The following is an entry in ClinVar:

ClinVar aggregate classification (germline): Uncertain significance (1 of 4 stars; one submission).

Conditions:
Emery-Dreifuss muscular dystrophy 5, autosomal dominant (EDMD5). Also called: EMERY-DREIFUSS MUSCULAR DYSTROPHY 5. Identifiers: Orphanet 261, MedGen C2751805, MONDO:0013072, OMIM 612999.

Allele frequency attached by ClinVar (database versions not stated): TOPMed 0.00001.
gnomAD v4.1: 7 of 1,614,032 alleles (0.00043%); highest among the groups gnomAD compares: Non-Finnish European, 0.00059%; no homozygotes.

Submission:

Labcorp Genetics (formerly Invitae), Labcorp
Classification: Uncertain significance for Emery-Dreifuss muscular dystrophy 5, autosomal dominant. Last evaluated: 2017-11-28. Review status: criteria provided, single submitter. Criteria: Invitae Variant Classification Sherloc (09022015). Collection method: clinical testing. Allele origin: germline.
Comment: In summary, the available evidence is currently insufficient to determine the role of this variant in disease. Therefore, it has been classified as a Variant of Uncertain Significance. Algorithms developed to predict the effect of missense changes on protein structure and function do not agree on the potential impact of this missense change (SIFT: "Tolerated"; PolyPhen-2: "Probably Damaging"; Align-GVGD: "Class C0"). This variant has not been reported in the literature in individuals with SYNE2-related disease. This variant is not present in population databases (ExAC no frequency). This sequence change replaces glutamic acid with glutamine at codon 5847 of the SYNE2 protein (p.Glu5847Gln). The glutamic acid residue is moderately conserved and there is a small physicochemical difference between glutamic acid and glutamine.

NM_182914.3(SYNE2):c.17539G>C (p.Glu5847Gln)

Gene: SYNE2 (spectrin repeat containing nuclear envelope protein 2; plus strand). Cytogenetic location: 14q23.2.
Variant type: single nucleotide variant.
Coding change: c.17539G>C on transcript NM_182914.3 (MANE Select); coding-DNA position 17539, G replaced by C.
Protein change: p.Glu5847Gln; replaces glutamic acid 5847 with glutamine.
Molecular consequence: missense variant.
Genome position (GRCh38, 1-based): chr14:64,177,466, G>C. VCF-style: chr14-64177466-G-C. GRCh37 (hg19) VCF-style: chr14-64644184-G-C.
Other names: c.17539G>C, p.Glu5847Gln (NM_015180.6); short protein forms E5847Q.
Identifiers: ClinVar variation 538332 (VCV000538332.8), dbSNP rs201427580, ClinGen allele CA261839355.
Genomic context (GRCh38, chr14:64,177,466, plus strand): 5'-CAAGTTTTAAAGGCACAAAGTGAAGATCCTCTTCCAGAGCTTCACGAGGACCTCCATAAC[G>C]AAAAAGAGCTGATTAAGGTATTGAAATCCAAACAAGTGGCCAAGATAATCACTTAGCTGT-3'
Protein context (NP_878918.2, residues 5837-5857): LPELHEDLHN[Glu5847Gln]KELIKELEQS